The following is an entry in ClinVar:

NM_012062.5(DNM1L):c.499A>T (p.Arg167Ter)

Gene: DNM1L (dynamin 1 like; plus strand). Cytogenetic location: 12p11.21.
Variant type: single nucleotide variant.
Coding change: c.499A>T on transcript NM_012062.5 (MANE Select); coding-DNA position 499, A replaced by T.
Protein change: p.Arg167Ter; replaces arginine 167 with a stop codon.
Molecular consequence: nonsense. On other transcripts: intron variant (1).
Genome position (GRCh38, 1-based): chr12:32,713,251, A>T. VCF-style: chr12-32713251-A-T. GRCh37 (hg19) VCF-style: chr12-32866185-A-T.
Other names: c.499A>T, p.Arg167Ter (NM_001278463.2, NM_005690.5, NM_012063.4); c.538A>T, p.Arg180Ter (NM_001278464.2, NM_001278465.2, NM_001330380.2); c.131+5838A>T (NM_001278466.2); short protein forms R167*, R180*.
Identifiers: ClinVar variation 4726534 (VCV004726534.1).

ClinVar aggregate classification (germline): Pathogenic (1 of 4 stars; one submission).

Submission:

Labcorp Genetics (formerly Invitae), Labcorp
Classification: Pathogenic. Last evaluated: 2025-09-03. Review status: criteria provided, single submitter. Criteria: Invitae Variant Classification Sherloc (09022015). Collection method: clinical testing. Allele origin: germline.
Comment: This sequence change creates a premature translational stop signal (p.Arg167*) in the DNM1L gene. It is expected to result in an absent or disrupted protein product. Loss-of-function variants in DNM1L are known to be pathogenic (PMID: 26825290, 27328748). This variant is not present in population databases (gnomAD no frequency). This variant has not been reported in the literature in individuals affected with DNM1L-related conditions. For these reasons, this variant has been classified as Pathogenic.

Literature cited by the submitters: PubMed 26825290; PubMed 27328748.